The following is an entry in ClinVar:

ClinVar aggregate classification (germline): Conflicting classifications of pathogenicity. Review status: criteria provided, conflicting classifications (1 of 4 stars). 6 submissions from 6 submitters: Uncertain significance (5); Likely benign (1). Last evaluated 2025-10-05.

Conditions:
Hereditary cancer-predisposing syndrome. Also called: Tumor predisposition; Hereditary neoplastic syndrome; Hereditary Cancer Syndrome; Neoplastic Syndromes, Hereditary. Identifiers: Orphanet 140162, MedGen C0027672, MeSH D009386, MONDO:0015356.
Hereditary breast ovarian cancer syndrome. Also called: Hereditary breast and/or ovarian cancer syndrome; Breast and ovarian cancer; Hereditary breast and ovarian cancer syndrome; Hereditary breast and ovarian cancer; Hereditary breast and ovarian cancer syndrome (HBOC); BRCA1- and BRCA2-Associated Hereditary Breast and Ovarian Cancer. Identifiers: Orphanet 145, MedGen C0677776, MeSH D061325, MONDO:0003582. Disease mechanism: loss of function.
Breast-ovarian cancer, familial, susceptibility to, 1 (BROVCA1). Also called: BRCA1 Hereditary Breast and Ovarian Cancer; OVARIAN CANCER, SUSCEPTIBILITY TO. Identifiers: Orphanet 145, MedGen C2676676, MONDO:0011450, OMIM 604370. Disease mechanism: loss of function.

Allele frequency attached by ClinVar (database versions not stated): gnomAD exomes below 0.00001.
gnomAD v4.1: 2 of 1,614,128 alleles (0.00012%); highest among the groups gnomAD compares: Non-Finnish European, 0.00017%; no homozygotes.

Submissions (6):

Labcorp Genetics (formerly Invitae), Labcorp
Classification: Uncertain significance for Hereditary breast ovarian cancer syndrome. Last evaluated: 2025-10-05. Review status: criteria provided, single submitter. Criteria: Invitae Variant Classification Sherloc (09022015). Collection method: clinical testing. Allele origin: germline.
Comment: This sequence change replaces histidine, which is basic and polar, with arginine, which is basic and polar, at codon 1195 of the BRCA1 protein (p.His1195Arg). This variant is not present in population databases (gnomAD no frequency). This variant has not been reported in the literature in individuals affected with BRCA1-related conditions. ClinVar contains an entry for this variant (Variation ID: 142258). Invitae Evidence Modeling of protein sequence and biophysical properties (such as structural, functional, and spatial information, amino acid conservation, physicochemical variation, residue mobility, and thermodynamic stability) indicates that this missense variant is not expected to disrupt BRCA1 protein function with a negative predictive value of 80%. In summary, the available evidence is currently insufficient to determine the role of this variant in disease. Therefore, it has been classified as a Variant of Uncertain Significance.

Ambry Genetics
Classification: Uncertain significance for Hereditary cancer-predisposing syndrome. Last evaluated: 2025-02-07. Review status: criteria provided, single submitter. Criteria: Ambry Variant Classification Scheme 2023. Collection method: clinical testing. Allele origin: germline.
Comment: The p.H1195R variant (also known as c.3584A>G), located in coding exon 9 of the BRCA1 gene, results from an A to G substitution at nucleotide position 3584. The histidine at codon 1195 is replaced by arginine, an amino acid with highly similar properties. This amino acid position is not well conserved in available vertebrate species. In addition, the in silico prediction for this alteration is inconclusive. Since supporting evidence is limited at this time, the clinical significance of this alteration remains unclear.

Color Diagnostics, LLC DBA Color Health
Classification: Uncertain significance for Hereditary cancer-predisposing syndrome. Last evaluated: 2024-12-10. Review status: criteria provided, single submitter. Criteria: ACMG Guidelines, 2015. Collection method: clinical testing. Allele origin: germline.
Comment: This missense variant replaces histidine with arginine at codon 1195 of the BRCA1 protein. Computational prediction suggests that this variant may not impact protein structure and function. To our knowledge, functional studies have not been reported for this variant. This variant has been detected in a breast cancer case-control meta-analysis in 0/60466 cases and 2/53461 unaffected individuals (PMID: 33471991; Leiden Open Variation Database DB-ID BRCA1_006316). A multifactorial analysis has reported a likelihood ratio for pathogenicity based on personal and family history of 39.933 from log(LR)=1.601329446 for four carriers (PMID: 31853058). This variant has not been identified in the general population by the Genome Aggregation Database (gnomAD). The available evidence is insufficient to determine the role of this variant in disease conclusively. Therefore, this variant is classified as a Variant of Uncertain Significance.

All of Us Research Program, National Institutes of Health
Classification: Uncertain significance for Breast-ovarian cancer, familial, susceptibility to, 1. Last evaluated: 2023-12-13. Review status: criteria provided, single submitter. Criteria: ACMG Guidelines, 2015. Collection method: clinical testing. Allele origin: germline. Inheritance: Autosomal dominant inheritance. Observed: 1 variant allele, 1 heterozygote.
Comment: This missense variant replaces histidine with arginine at codon 1195 of the BRCA1 protein. Computational prediction suggests that this variant may not impact protein structure and function. To our knowledge, functional studies have not been reported for this variant. This variant has been detected in a breast cancer case-control meta-analysis in 0/60466 cases and 2/53461 unaffected individuals (PMID: 33471991; Leiden Open Variation Database DB-ID BRCA1_006316). This variant has not been identified in the general population by the Genome Aggregation Database (gnomAD). The available evidence is insufficient to determine the role of this variant in disease conclusively. Therefore, this variant is classified as a Variant of Uncertain Significance.

This study involves interpretation of variants in research participants for the purpose of population health screening. Participant phenotype was not available at the time of variant classification. Additional details can be found in publication PMID: 35346344, PMCID: PMC8962531

University of Washington Department of Laboratory Medicine, University of Washington
Classification: Likely benign for Hereditary cancer-predisposing syndrome. Last evaluated: 2023-03-23. Review status: criteria provided, single submitter. Criteria: Dines et al. (Genet Med. 2020). Collection method: curation. Allele origin: germline.
Comment: Missense variant in a coldspot region where missense variants are very unlikely to be pathogenic (PMID:31911673).

BRCA1 coldspot (exon 11 using historical exon numbering). Reclassification based on statistical prior probability

Women's Health and Genetics/Laboratory Corporation of America, LabCorp
Classification: Uncertain significance. Last evaluated: 2019-11-11. Review status: criteria provided, single submitter. Criteria: LabCorp Variant Classification Summary - May 2015. Collection method: clinical testing. Allele origin: germline.
Comment: Variant summary: BRCA1 c.3584A>G (p.His1195Arg) results in a non-conservative amino acid change in the encoded protein sequence. Four of five in-silico tools predict a benign effect of the variant on protein function. The variant was absent in 250844 control chromosomes (gnomAD). The available data on variant occurrences in the general population are insufficient to allow any conclusion about variant significance. To our knowledge, no occurrence of c.3584A>G in individuals affected with Hereditary Breast and Ovarian Cancer and no experimental evidence demonstrating its impact on protein function have been reported. Three clinical diagnostic laboratories have submitted clinical-significance assessments for this variant to ClinVar after 2014 without evidence for independent evaluation. All laboratories classified the variant as uncertain significance. Based on the evidence outlined above, the variant was classified as uncertain significance.

Literature cited by the submitters: PubMed 31853058 (cited by Color Diagnostics, LLC DBA Color Health); PubMed 33471991 (cited by Color Diagnostics, LLC DBA Color Health and All of Us Research Program, National Institutes of Health).

NM_007294.4(BRCA1):c.3584A>G (p.His1195Arg)

Genes: BRCA1 (BRCA1 DNA repair associated; minus strand), LOC126862571 (BRD4-independent group 4 enhancer GRCh37_chr17:41243136-41244335; plus strand). Cytogenetic location: 17q21.31.
Variant type: single nucleotide variant.
Coding change: c.3584A>G on transcript NM_007294.4 (MANE Select); coding-DNA position 3584, A replaced by G.
Protein change: p.His1195Arg; replaces histidine 1195 with arginine.
Molecular consequence: missense variant. On other transcripts: intron variant (135).
Genome position (GRCh38, 1-based): chr17:43,091,947, T>C on the plus strand (A>G on the coding strand, the complement: BRCA1 is on the minus strand). VCF-style: chr17-43091947-T-C. GRCh37 (hg19) VCF-style: chr17-41243964-T-C.
Other names: c.3584A>G, p.His1195Arg (NM_001407593.1, NM_001407594.1, NM_001407596.1 and 30 more transcripts); c.3581A>G, p.His1194Arg (NM_001407610.1, NM_001407611.1, NM_001407612.1 and 22 more transcripts); c.3575A>G, p.His1192Arg (NM_001407646.1, NM_001407647.1); c.3461A>G, p.His1154Arg (NM_001407648.1, NM_001407664.1, NM_001407665.1 and 19 more transcripts); c.3458A>G, p.His1153Arg (NM_001407649.1, NM_001407670.1, NM_001407671.1 and 11 more transcripts); c.3506A>G, p.His1169Arg (NM_001407653.1, NM_001407654.1, NM_001407655.1 and 4 more transcripts); c.3503A>G, p.His1168Arg (NM_001407659.1, NM_001407660.1, NM_001407661.1 and 1 more transcripts); c.3443A>G, p.His1148Arg (NM_001407692.1, NM_001407694.1, NM_001407695.1 and 29 more transcripts); and 41 more; short protein forms H1195R, H1148R, H1067R, H1106R, H1147R, H1194R, H327R, H899R.
Identifiers: ClinVar variation 142258 (VCV000142258.25), dbSNP rs28897685, ClinGen allele CA002285.